The following is an entry in ClinVar:

ClinVar aggregate classification (germline): Conflicting classifications of pathogenicity. Review status: criteria provided, conflicting classifications (1 of 4 stars). 2 submissions from 2 submitters: Uncertain significance (1); Likely benign (1). Last evaluated 2026-07-01.

Conditions:
Hereditary diffuse gastric adenocarcinoma (HDGC). Also called: DIFFUSE GASTRIC AND LOBULAR BREAST CANCER SYNDROME. Identifiers: Orphanet 26106, MedGen C1708349, MONDO:0007648, OMIM 137215.
Hereditary cancer-predisposing syndrome. Also called: Neoplastic Syndromes, Hereditary; Tumor predisposition; Hereditary Cancer Syndrome; Hereditary neoplastic syndrome. Identifiers: Orphanet 140162, MedGen C0027672, MeSH D009386, MONDO:0015356.

Submissions (2):

Ambry Genetics
Classification: Likely benign for Hereditary cancer-predisposing syndrome. Last evaluated: 2026-07-01. Review status: criteria provided, single submitter. Criteria: Ambry Variant Classification Scheme 2023. Collection method: clinical testing. Allele origin: germline.

Labcorp Genetics (formerly Invitae), Labcorp
Classification: Uncertain significance for Hereditary diffuse gastric adenocarcinoma. Last evaluated: 2024-03-20. Review status: criteria provided, single submitter. Criteria: Invitae Variant Classification Sherloc (09022015). Collection method: clinical testing. Allele origin: germline.
Comment: This sequence change replaces histidine, which is basic and polar, with arginine, which is basic and polar, at codon 555 of the CDH1 protein (p.His555Arg). This variant is not present in population databases (gnomAD no frequency). This variant has not been reported in the literature in individuals affected with CDH1-related conditions. An algorithm developed to predict the effect of missense changes on protein structure and function (PolyPhen-2) suggests that this variant¬†is likely to be tolerated. In summary, the available evidence is currently insufficient to determine the role of this variant in disease. Therefore, it has been classified as a Variant of Uncertain Significance.

NM_004360.5(CDH1):c.1664A>G (p.His555Arg)

Gene: CDH1 (cadherin 1; plus strand). Cytogenetic location: 16q22.1.
Variant type: single nucleotide variant.
Coding change: c.1664A>G on transcript NM_004360.5 (MANE Select); coding-DNA position 1664, A replaced by G.
Protein change: p.His555Arg; replaces histidine 555 with arginine.
Molecular consequence: missense variant. On other transcripts: intron variant (1).
Genome position (GRCh38, 1-based): chr16:68,819,378, A>G. VCF-style: chr16-68819378-A-G. GRCh37 (hg19) VCF-style: chr16-68853281-A-G.
Other names: c.1481A>G, p.His494Arg (NM_001317184.2); c.116A>G, p.His39Arg (NM_001317185.2); c.-254-2623A>G (NM_001317186.2); short protein forms H494R, H39R, H555R.
Identifiers: ClinVar variation 3265150 (VCV003265150.3).
Genomic context (GRCh38, chr16:68,819,378, plus strand): 5'-TTAATCCGGACACTGGTGCCATTTCCACTCGGGCTGAGCTGGACAGGGAGGATTTTGAGC[A>G]CGTGAAGAACAGCACGTACACAGCCCTAATCATAGCTACAGACAATGGTAAGGGGGCCTC-3'
Protein context (NP_004351.1, residues 545-565): RAELDREDFE[His555Arg]VKNSTYTALI